The following is an entry in ClinVar:

NM_000477.7(ALB):c.1256T>A (p.Phe419Tyr)

Gene: ALB (albumin; plus strand). Cytogenetic location: 4q13.3.
Variant type: single nucleotide variant.
Coding change: c.1256T>A on transcript NM_000477.7 (MANE Select); coding-DNA position 1256, T replaced by A.
Protein change: p.Phe419Tyr; replaces phenylalanine 419 with tyrosine.
Molecular consequence: missense variant.
Genome position (GRCh38, 1-based): chr4:73,416,320, T>A. VCF-style: chr4-73416320-T-A. GRCh37 (hg19) VCF-style: chr4-74282037-T-A.
Other names: short protein forms F419Y.
Identifiers: ClinVar variation 1951728 (VCV001951728.5), dbSNP rs1025342545, ClinGen allele CA99708713.

ClinVar aggregate classification (germline): Uncertain significance (1 of 4 stars; one submission).

Allele frequency attached by ClinVar (database versions not stated): TOPMed below 0.00001; gnomAD exomes 0.00001.
gnomAD v4.1: 3 of 1,613,702 alleles (0.00019%); highest among the groups gnomAD compares: Middle Eastern, 0.017%; no homozygotes.

Submission:

Labcorp Genetics (formerly Invitae), Labcorp
Classification: Uncertain significance. Last evaluated: 2022-07-06. Review status: criteria provided, single submitter. Criteria: Invitae Variant Classification Sherloc (09022015). Collection method: clinical testing. Allele origin: germline.
Comment: In summary, the available evidence is currently insufficient to determine the role of this variant in disease. Therefore, it has been classified as a Variant of Uncertain Significance. Algorithms developed to predict the effect of missense changes on protein structure and function output the following: SIFT: "Not Available"; PolyPhen-2: "Benign"; Align-GVGD: "Not Available". The tyrosine amino acid residue is found in multiple mammalian species, which suggests that this missense change does not adversely affect protein function. This variant has not been reported in the literature in individuals affected with ALB-related conditions. This variant is not present in population databases (gnomAD no frequency). This sequence change replaces phenylalanine, which is neutral and non-polar, with tyrosine, which is neutral and polar, at codon 419 of the ALB protein (p.Phe419Tyr).